The following is an entry in ClinVar:

NM_032237.5(POMK):c.914A>G (p.His305Arg)

Gene: POMK (protein O-mannose kinase; plus strand). Cytogenetic location: 8p11.21.
Variant type: single nucleotide variant.
Coding change: c.914A>G on transcript NM_032237.5 (MANE Select); coding-DNA position 914, A replaced by G.
Protein change: p.His305Arg; replaces histidine 305 with arginine.
Molecular consequence: missense variant.
Genome position (GRCh38, 1-based): chr8:43,122,738, A>G. VCF-style: chr8-43122738-A-G. GRCh37 (hg19) VCF-style: chr8-42977881-A-G.
Other names: c.914A>G, p.His305Arg (NM_001277971.2); c.914A>G (NM_032237.3); short protein forms H305R.
Identifiers: ClinVar variation 1933882 (VCV001933882.3), dbSNP rs765678572, ClinGen allele CA4736378.

ClinVar aggregate classification (germline): Uncertain significance. Review status: criteria provided, multiple submitters, no conflicts (2 of 4 stars). 2 submissions from 2 submitters: Uncertain significance (2). Last evaluated 2025-08-28.

Conditions:
Muscular dystrophy-dystroglycanopathy (congenital with brain and eye anomalies), type a, 12 (MDDGA12). Also called: WALKER-WARBURG SYNDROME OR MUSCLE-EYE-BRAIN DISEASE, POMK-RELATED. Identifiers: Orphanet 899, MedGen C3808964, MONDO:0014101, OMIM 615249.
Limb-girdle muscular dystrophy due to POMK deficiency. Also called: MUSCULAR DYSTROPHY-DYSTROGLYCANOPATHY, LIMB-GIRDLE, POMK-RELATED; Muscular dystrophy-dystroglycanopathy (limb-girdle), type c, 12. Identifiers: Orphanet 445110, MedGen C4015184, MONDO:0014489, OMIM 616094.
Inborn genetic diseases. Identifiers: MedGen C0950123, MeSH D030342.

Allele frequency attached by ClinVar (database versions not stated): ExAC 0.00002; TOPMed 0.00002; gnomAD 0.00003; gnomAD exomes 0.00004.
gnomAD v4.1: 58 of 1,614,066 alleles (0.0036%); highest among the groups gnomAD compares: Non-Finnish European, 0.0046%; no homozygotes.

Submissions (2):

Ambry Genetics
Classification: Uncertain significance for Inborn genetic diseases. Last evaluated: 2025-08-28. Review status: criteria provided, single submitter. Criteria: Ambry Variant Classification Scheme 2023. Collection method: clinical testing. Allele origin: germline.

Labcorp Genetics (formerly Invitae), Labcorp
Classification: Uncertain significance for Muscular dystrophy-dystroglycanopathy (congenital with brain and eye anomalies), type a, 12; Limb-girdle muscular dystrophy due to POMK deficiency. Last evaluated: 2022-06-03. Review status: criteria provided, single submitter. Criteria: Invitae Variant Classification Sherloc (09022015). Collection method: clinical testing. Allele origin: germline.
Comment: This sequence change replaces histidine, which is basic and polar, with arginine, which is basic and polar, at codon 305 of the POMK protein (p.His305Arg). This variant is present in population databases (rs765678572, gnomAD 0.004%). This variant has not been reported in the literature in individuals affected with POMK-related conditions. Algorithms developed to predict the effect of missense changes on protein structure and function are either unavailable or do not agree on the potential impact of this missense change (SIFT: "Deleterious"; PolyPhen-2: "Benign"; Align-GVGD: "Class C25"). In summary, the available evidence is currently insufficient to determine the role of this variant in disease. Therefore, it has been classified as a Variant of Uncertain Significance.